The following is an entry in ClinVar:

NM_001378120.1(MBD5):c.4637T>C (p.Val1546Ala)

Gene: MBD5 (methyl-CpG binding domain protein 5; plus strand). Cytogenetic location: 2q23.1.
Variant type: single nucleotide variant.
Coding change: c.4637T>C on transcript NM_001378120.1 (MANE Select); coding-DNA position 4637, T replaced by C.
Protein change: p.Val1546Ala; replaces valine 1546 with alanine.
Molecular consequence: missense variant.
Genome position (GRCh38, 1-based): chr2:148,490,269, T>C. VCF-style: chr2-148490269-T-C. GRCh37 (hg19) VCF-style: chr2-149247838-T-C.
Other names: c.3938T>C, p.Val1313Ala (NM_018328.5); short protein forms V1313A, V1546A.
Identifiers: ClinVar variation 2713333 (VCV002713333.3), dbSNP rs796764625, ClinGen allele CA348729853.
Genomic context (GRCh38, chr2:148,490,269, plus strand): 5'-ATAGACCTCGACAGAGTCGGGGATTTGGAGAGCTGCTAAGCACTGCAAAGCAAGACCTGG[T>C]CCTAGAGGAGCAGTCTCCAAGTTCCTCAAATAGTTTGGAAAATTCTCTGGTCAAAGACTA-3'
Protein context (NP_001365049.1, residues 1536-1556): ELLSTAKQDL[Val1546Ala]LEEQSPSSSN

ClinVar aggregate classification (germline): Uncertain significance (1 of 4 stars; one submission).

Conditions:
Intellectual developmental disorder, autosomal dominant 1. Also called: Intellectual disability, autosomal dominant 1; MBD5 Haploinsufficiency. Identifiers: Orphanet 228402, MedGen C1969562, MONDO:0007974, OMIM 156200.

Submission:

Labcorp Genetics (formerly Invitae), Labcorp
Classification: Uncertain significance for Intellectual developmental disorder, autosomal dominant 1. Last evaluated: 2024-11-25. Review status: criteria provided, single submitter. Criteria: Invitae Variant Classification Sherloc (09022015). Collection method: clinical testing. Allele origin: germline.
Comment: This sequence change replaces valine, which is neutral and non-polar, with alanine, which is neutral and non-polar, at codon 1313 of the MBD5 protein (p.Val1313Ala). This variant is not present in population databases (gnomAD no frequency). This variant has not been reported in the literature in individuals affected with MBD5-related conditions. ClinVar contains an entry for this variant (Variation ID: 2713333). An algorithm developed to predict the effect of missense changes on protein structure and function outputs the following: PolyPhen-2: "Not Available". The alanine amino acid residue is found in multiple mammalian species, which suggests that this missense change does not adversely affect protein function. In summary, the available evidence is currently insufficient to determine the role of this variant in disease. Therefore, it has been classified as a Variant of Uncertain Significance.